The following is an entry in ClinVar:

ClinVar aggregate classification (germline): Uncertain significance (1 of 4 stars; one submission).

Conditions:
Arrhythmogenic right ventricular dysplasia 13. Also called: ARRHYTHMOGENIC RIGHT VENTRICULAR CARDIOMYOPATHY 13; Arrhythmogenic right ventricular dysplasia, familial, 13. Identifiers: MedGen C3810138, MONDO:0000908, OMIM 615616.

Submission:

Labcorp Genetics (formerly Invitae), Labcorp
Classification: Uncertain significance for Arrhythmogenic right ventricular dysplasia 13. Last evaluated: 2023-11-02. Review status: criteria provided, single submitter. Criteria: Invitae Variant Classification Sherloc (09022015). Collection method: clinical testing. Allele origin: germline.
Comment: This sequence change creates a premature translational stop signal (p.Phe108Leufs*25) in the CTNNA3 gene. It is expected to result in an absent or disrupted protein product. However, the current clinical and genetic evidence is not sufficient to establish whether loss-of-function variants in CTNNA3 cause disease. This variant is not present in population databases (gnomAD no frequency). This premature translational stop signal has been observed in individual(s) with dilated cardiomyopathy (PMID: 32880476). Algorithms developed to predict the effect of sequence changes on RNA splicing suggest that this variant may create or strengthen a splice site. In summary, the available evidence is currently insufficient to determine the role of this variant in disease. Therefore, it has been classified as a Variant of Uncertain Significance.

Literature cited by the submitters: PubMed 32880476.

NM_013266.4(CTNNA3):c.324del (p.Phe108fs)

Gene: CTNNA3 (catenin alpha 3; minus strand). Cytogenetic location: 10q21.3.
Variant type: Deletion.
Coding change: c.324del on transcript NM_013266.4 (MANE Select); coding-DNA position 324, one base deleted (T; older notation c.324delT).
Protein change: p.Phe108fs; shifts the reading frame from phenylalanine 108.
Molecular consequence: frameshift variant.
Genome position (GRCh38, 1-based): chr10:67,539,638, A deleted on the plus strand (T on the coding strand, the reverse complement: CTNNA3 is on the minus strand); the first of 3 consecutive A bases (chr10:67,539,638-67,539,640); deleting any one gives the same sequence. VCF-style (leftmost placement, unchanged base first): chr10-67539637-TA-T. GRCh37 (hg19) VCF-style: chr10-69299395-TA-T.
Other names: c.324del, p.Phe108fs (NM_001127384.3); c.360del, p.Phe120fs (NM_001291133.2); short protein forms F120fs, F108fs.
Identifiers: ClinVar variation 2905176 (VCV002905176.3), dbSNP rs1840606575, ClinGen allele CA1916926204.